The following is an entry in ClinVar:

ClinVar aggregate classification (germline): Uncertain significance (1 of 4 stars; one submission).

Allele frequency attached by ClinVar (database versions not stated): gnomAD exomes 0.00001 and 0.00002; ExAC 0.00002; gnomAD 0.00002; 1000 Genomes Project 30x 0.00047; 1000 Genomes Project 0.00060.
gnomAD v4.1: 12 of 1,614,186 alleles (0.00074%); highest among the groups gnomAD compares: South Asian, 0.0099%; no homozygotes.

Submission:

GeneDx
Classification: Uncertain significance. Last evaluated: 2016-05-27. Review status: criteria provided, single submitter. Criteria: GeneDx Variant Classification (06012015). Collection method: clinical testing. Allele origin: germline. Affected: yes.
Comment: The R70G variant has not been published as a pathogenic variant, nor has it been reported as a benign variant to our knowledge. It was not observed in approximately 6,500 individuals of European and African American ancestry in the NHLBI Exome Sequencing Project, indicating it is not a common benign variant in these populations. It was observed in a low frequency, 2/204 (0.98%) of alleles from individuals of Indian Telugu ancestry living in the United Kingdom. The R70G variant is a non-conservative amino acid substitution, which is likely to impact secondary protein structure as these residues differ in polarity, charge, size and/or other properties. This substitution occurs at a position that is conserved across species. In silico analysis is inconsistent in its predictions as to whether or not the variant is damaging to the protein structure/function. Therefore, based on the currently available information, it is unclear whether this variant is a pathogenic variant or a rare benign variant.

NM_002180.3(IGHMBP2):c.208A>G (p.Arg70Gly)

Gene: IGHMBP2 (immunoglobulin mu DNA binding protein 2; plus strand). Cytogenetic location: 11q13.3.
Variant type: single nucleotide variant.
Coding change: c.208A>G on transcript NM_002180.3 (MANE Select); coding-DNA position 208, A replaced by G.
Protein change: p.Arg70Gly; replaces arginine 70 with glycine.
Molecular consequence: missense variant.
Genome position (GRCh38, 1-based): chr11:68,906,190, A>G. VCF-style: chr11-68906190-A-G. GRCh37 (hg19) VCF-style: chr11-68673658-A-G.
Other names: short protein forms R70G.
Identifiers: ClinVar variation 246597 (VCV000246597.2), dbSNP rs563922049, ClinGen allele CA6153212.